The following is an entry in ClinVar:

ClinVar aggregate classification (germline): Uncertain significance. Review status: criteria provided, multiple submitters, no conflicts (2 of 4 stars). 2 submissions from 2 submitters: Uncertain significance (2). Last evaluated 2021-11-27.

Allele frequency attached by ClinVar (database versions not stated): gnomAD exomes 0.00006.
gnomAD v4.1: 9 of 1,406,170 alleles (0.00064%); highest among the groups gnomAD compares: South Asian, 0.011%; no homozygotes.

Submissions (2):

Labcorp Genetics (formerly Invitae), Labcorp
Classification: Uncertain significance. Last evaluated: 2021-11-27. Review status: criteria provided, single submitter. Criteria: Invitae Variant Classification Sherloc (09022015). Collection method: clinical testing. Allele origin: germline.
Comment: This sequence change replaces alanine, which is neutral and non-polar, with serine, which is neutral and polar, at codon 2023 of the SPEG protein (p.Ala2023Ser). The frequency data for this variant in the population databases is considered unreliable, as metrics indicate poor data quality at this position in the gnomAD database. This variant has not been reported in the literature in individuals affected with SPEG-related conditions. Algorithms developed to predict the effect of missense changes on protein structure and function (SIFT, PolyPhen-2, Align-GVGD) all suggest that this variant is likely to be tolerated. Algorithms developed to predict the effect of sequence changes on RNA splicing suggest that this variant may create or strengthen a splice site. In summary, the available evidence is currently insufficient to determine the role of this variant in disease. Therefore, it has been classified as a Variant of Uncertain Significance.

Breakthrough Genomics
Classification: Uncertain significance. Review status: criteria provided, single submitter. Criteria: ACMG Guidelines, 2015. Collection method: not provided. Allele origin: germline. Inheritance: Autosomal recessive inheritance. Affected: yes.

NM_005876.5(SPEG):c.6067G>T (p.Ala2023Ser)

Genes: ASIC4-AS1 (ASIC4 antisense RNA 1; minus strand), SPEG (striated muscle enriched protein kinase; plus strand). Cytogenetic location: 2q35.
Variant type: single nucleotide variant.
Coding change: c.6067G>T on transcript NM_005876.5 (MANE Select); coding-DNA position 6067, G replaced by T.
Protein change: p.Ala2023Ser; replaces alanine 2023 with serine.
Molecular consequence: missense variant.
Genome position (GRCh38, 1-based): chr2:219,483,530, G>T. VCF-style: chr2-219483530-G-T. GRCh37 (hg19) VCF-style: chr2-220348252-G-T.
Other names: short protein forms A2023S.
Identifiers: ClinVar variation 1490305 (VCV001490305.7), dbSNP rs770269062, ClinGen allele CA2126992.
Genomic context (GRCh38, chr2:219,483,530, plus strand): 5'-GCTAGCCCCAGGCGGGGAGAGCTCCGCAGGGGCAGCTCGGCTGAGAGCGCCCTGCCCCGG[G>T]CCGGGCCGCGGGAGCTGGGCCGGGGCCTGCACAAGGCGGCGTCTGTGGAGCTGCCGCAGC-3'
Protein context (NP_005867.3, residues 2013-2033): GSSAESALPR[Ala2023Ser]GPRELGRGLH